The following is an entry in ClinVar:

NM_016120.4(RLIM):c.1260G>A (p.Met420Ile)

Gene: RLIM (ring finger protein, LIM domain interacting; minus strand). Cytogenetic location: Xq13.2.
Variant type: single nucleotide variant.
Coding change: c.1260G>A on transcript NM_016120.4 (MANE Select); coding-DNA position 1260, G replaced by A.
Protein change: p.Met420Ile; replaces methionine 420 with isoleucine.
Molecular consequence: missense variant.
Genome position (GRCh38, 1-based): chrX:74,592,055, C>T on the plus strand (G>A on the coding strand, the complement: RLIM is on the minus strand). VCF-style: chrX-74592055-C-T. GRCh37 (hg19) VCF-style: chrX-73811890-C-T.
Other names: c.1260G>A, p.Met420Ile (NM_183353.3); short protein forms M420I.
Identifiers: ClinVar variation 3902415 (VCV003902415.1).
Genomic context (GRCh38, chrX:74,592,055, plus strand): 5'-TGCCCTTTCCATATTTCGATTTGAGACTGAGCCAGTAGGCTCTGAGTCGCTATCACTGTA[C>T]ATAAAATAGCTTAACTCACCAAAACCTGTCATTATCTGCCTTAACATGGTCTGAATTGCA-3'
Protein context (NP_057204.2, residues 410-430): MTGFGELSYF[Met420Ile]YSDSDSEPTG

ClinVar aggregate classification (germline): Uncertain significance (1 of 4 stars; one submission).

Submission:

Women's Health and Genetics/Laboratory Corporation of America, LabCorp
Classification: Uncertain significance. Last evaluated: 2025-05-08. Review status: criteria provided, single submitter. Criteria: LabCorp Variant Classification Summary - May 2015. Collection method: clinical testing. Allele origin: germline.
Comment: Variant summary: RLIM c.1260G>A (p.Met420Ile) results in a conservative amino acid change in the encoded protein sequence. Algorithms developed to predict the effect of missense changes on protein structure and function are either unavailable or do not agree on the potential impact of this missense change. The variant was absent in 183442 control chromosomes. The available data on variant occurrences in the general population are insufficient to allow any conclusion about variant significance. To our knowledge, no occurrence of c.1260G>A in individuals affected with Intellectual Disability, X-Linked 61 and no experimental evidence demonstrating its impact on protein function have been reported. No submitters have cited clinical-significance assessments for this variant to ClinVar. Based on the evidence outlined above, the variant was classified as uncertain significance.